The following is an entry in ClinVar:

NM_000551.4(VHL):c.340+724G>C

Genes: VHL (von Hippel-Lindau tumor suppressor; plus strand), LOC107303340 (3p25 von Hippel-Lindau tumor suppressor, E3 ubiquitin protein ligase Alu-mediated recombination region; plus strand). Cytogenetic location: 3p25.3.
Variant type: single nucleotide variant.
Coding change: c.340+724G>C on transcript NM_000551.4 (MANE Select); 724 bases into the intron after coding-DNA position 340, G replaced by C.
Molecular consequence: intron variant. On other transcripts: missense variant (1).
Genome position (GRCh38, 1-based): chr3:10,142,911, G>C. VCF-style: chr3-10142911-G-C. GRCh37 (hg19) VCF-style: chr3-10184595-G-C.
Other names: c.489G>C, p.Leu163Phe (NM_001354723.2); c.340+724G>C (NM_198156.3); c.489G>C (NM_001354723.1); short protein forms L163F.
Identifiers: ClinVar variation 864061 (VCV000864061.8), dbSNP rs900590059, ClinGen allele CA70046796.

ClinVar aggregate classification (germline): Conflicting classifications of pathogenicity. Review status: criteria provided, conflicting classifications (1 of 4 stars). 2 submissions from 2 submitters: Uncertain significance (1); Benign (1). Last evaluated 2026-01-04.

Conditions:
VHL-related disorder. Also called: VHL-related condition.
Chuvash polycythemia. Also called: POLYCYTHEMIA, VHL-DEPENDENT. Identifiers: Orphanet 238557, MedGen C1837915, MONDO:0009892, OMIM 263400.
Von Hippel-Lindau syndrome (VHLS). Also called: Von Hippel-Lindau; von Hippel–Lindau syndrome; VHL syndrome. Identifiers: Orphanet 892, MedGen C0019562, MONDO:0008667, OMIM 193300. Disease mechanism: loss of function.

Allele frequency attached by ClinVar (database versions not stated): gnomAD 0.00002; TOPMed 0.00002.
gnomAD v4.1: 3 of 152,620 alleles (0.002%); highest among the groups gnomAD compares: Non-Finnish European, 0.0029%; no homozygotes.

Submissions (2):

Labcorp Genetics (formerly Invitae), Labcorp
Classification: Benign for Von Hippel-Lindau syndrome; Chuvash polycythemia. Last evaluated: 2026-01-04. Review status: criteria provided, single submitter. Criteria: Invitae Variant Classification Sherloc (09022015). Collection method: clinical testing. Allele origin: germline.

PreventionGenetics, part of Exact Sciences
Classification: Uncertain significance for VHL-related condition. Last evaluated: 2025-09-23. Review status: criteria provided, single submitter. Criteria: ACMG Guidelines, 2015. Collection method: clinical testing. Allele origin: germline.
Comment: The VHL c.489G>C variant is predicted to result in the amino acid substitution p.Leu163Phe. This variant occurs where a cryptic exon, referred to as Exon 1', has been reported (Lenglet et al. 2018. PubMed ID: 29891534). To our knowledge, this variant has not been reported in the literature. This variant is reported in 0.0065% of alleles in individuals of European (Non-Finnish) descent in gnomAD and is interpreted as benign in ClinVar (Variation ID: 864061). At this time, the clinical significance of this variant is uncertain due to the absence of conclusive functional and genetic evidence.